The following is an entry in ClinVar:

ClinVar aggregate classification (germline): Uncertain significance (1 of 4 stars; one submission).

Conditions:
Hereditary cancer-predisposing syndrome. Also called: Neoplastic Syndromes, Hereditary; Tumor predisposition; Hereditary Cancer Syndrome; Hereditary neoplastic syndrome. Identifiers: Orphanet 140162, MedGen C0027672, MeSH D009386, MONDO:0015356.

Submission:

Ambry Genetics
Classification: Uncertain significance for Hereditary cancer-predisposing syndrome. Last evaluated: 2017-04-04. Review status: criteria provided, single submitter. Criteria: Ambry Variant Classification Scheme 2023. Collection method: clinical testing. Allele origin: germline.
Comment: The p.E659Q variant (also known as c.1975G>C), located in coding exon 12 of the SMARCA4 gene, results from a G to C substitution at nucleotide position 1975. The glutamic acid at codon 659 is replaced by glutamine, an amino acid with highly similar properties. This amino acid position is well conserved in available vertebrate species. In addition, this alteration is predicted to be tolerated by in silico analysis. Since supporting evidence is limited at this time, the clinical significance of this alteration remains unclear.

NM_003072.5(SMARCA4):c.1975G>C (p.Glu659Gln)

Gene: SMARCA4 (SWI/SNF related BAF chromatin remodeling complex subunit ATPase 4; plus strand). Cytogenetic location: 19p13.2.
Variant type: single nucleotide variant.
Coding change: c.1975G>C on transcript NM_003072.5 (MANE Select); coding-DNA position 1975, G replaced by C.
Protein change: p.Glu659Gln; replaces glutamic acid 659 with glutamine.
Molecular consequence: missense variant. On other transcripts: non-coding transcript variant (1).
Genome position (GRCh38, 1-based): chr19:11,003,371, G>C. VCF-style: chr19-11003371-G-C. GRCh37 (hg19) VCF-style: chr19-11114047-G-C.
Other names: c.1975G>C, p.Glu659Gln (NM_001128844.3, NM_001128845.2, NM_001128846.2 and 5 more transcripts); short protein forms E659Q.
Identifiers: ClinVar variation 484969 (VCV000484969.5), dbSNP rs1555768751, ClinGen allele CA404052193.
Genomic context (GRCh38, chr19:11,003,371, plus strand): 5'-TTGTATGAAAGCCCTTACATTTTTTCTAGGTATGAAGTAGCTCCGAGGTCTGATAGTGAA[G>C]AAAGTGGCTCAGAAGAAGAGGAAGAGGTAAGAGTGCATTTCCTGGCTTTCAAGGCTCTCA-3'
Protein context (NP_003063.2, residues 649-669): YEVAPRSDSE[Glu659Gln]SGSEEEEEEE